The following is an entry in ClinVar:

ClinVar aggregate classification (germline): Uncertain significance. Review status: criteria provided, multiple submitters, no conflicts (2 of 4 stars). 2 submissions from 2 submitters: Uncertain significance (2). Last evaluated 2026-06-16.

Conditions:
Hereditary cancer-predisposing syndrome. Also called: Tumor predisposition; Hereditary Cancer Syndrome; Hereditary neoplastic syndrome; Neoplastic Syndromes, Hereditary. Identifiers: Orphanet 140162, MedGen C0027672, MeSH D009386, MONDO:0015356.
Rhabdoid tumor predisposition syndrome 2 (RTPS2). Identifiers: Orphanet 231108, Orphanet 69077, MedGen C2750074, MONDO:0013224, OMIM 613325.

gnomAD v4.1: 6 of 1,611,714 alleles (0.00037%); highest among the groups gnomAD compares: Non-Finnish European, 0.00025%; no homozygotes.

Submissions (2):

Ambry Genetics
Classification: Uncertain significance for Hereditary cancer-predisposing syndrome. Last evaluated: 2026-06-16. Review status: criteria provided, single submitter. Criteria: Ambry Variant Classification Scheme 2023. Collection method: clinical testing. Allele origin: germline.
Comment: The c.2859+4G>A intronic variant results from a G to A substitution 4 nucleotides after coding exon 18 in the SMARCA4 gene. This nucleotide position is not well conserved in available vertebrate species. In silico splice site analysis predicts that this alteration will not have any significant effect on splicing. Based on the available evidence, the clinical significance of this variant remains unclear.

Labcorp Genetics (formerly Invitae), Labcorp
Classification: Uncertain significance for Rhabdoid tumor predisposition syndrome 2. Last evaluated: 2023-01-08. Review status: criteria provided, single submitter. Criteria: Invitae Variant Classification Sherloc (09022015). Collection method: clinical testing. Allele origin: germline.
Comment: In summary, the available evidence is currently insufficient to determine the role of this variant in disease. Therefore, it has been classified as a Variant of Uncertain Significance. Variants that disrupt the consensus splice site are a relatively common cause of aberrant splicing (PMID: 17576681, 9536098). Algorithms developed to predict the effect of sequence changes on RNA splicing suggest that this variant is not likely to affect RNA splicing. This variant has not been reported in the literature in individuals affected with SMARCA4-related conditions. This variant is present in population databases (no rsID available, gnomAD 0.004%). This sequence change falls in intron 19 of the SMARCA4 gene. It does not directly change the encoded amino acid sequence of the SMARCA4 protein. It affects a nucleotide within the consensus splice site.

Literature cited by the submitters: PubMed 17576681 (cited by Labcorp Genetics (formerly Invitae), Labcorp); PubMed 9536098 (cited by Labcorp Genetics (formerly Invitae), Labcorp).

NM_003072.5(SMARCA4):c.2859+4G>A

Gene: SMARCA4 (SWI/SNF related BAF chromatin remodeling complex subunit ATPase 4; plus strand). Cytogenetic location: 19p13.2.
Variant type: single nucleotide variant.
Coding change: c.2859+4G>A on transcript NM_003072.5 (MANE Select); 4 bases into the intron after coding-DNA position 2859, G replaced by A.
Molecular consequence: intron variant.
Genome position (GRCh38, 1-based): chr19:11,021,971, G>A. VCF-style: chr19-11021971-G-A. GRCh37 (hg19) VCF-style: chr19-11132647-G-A.
Other names: c.2859+4G>A (NM_001128844.3, NM_001128849.3, NM_001128847.4 and 6 more transcripts).
Identifiers: ClinVar variation 2127144 (VCV002127144.5), dbSNP rs1317459650, ClinGen allele CA632115220.